The following is an entry in ClinVar:

NM_000543.5(SMPD1):c.*91C>T

Gene: SMPD1 (sphingomyelin phosphodiesterase 1; plus strand). Cytogenetic location: 11p15.4.
Variant type: single nucleotide variant.
Coding change: c.*91C>T on transcript NM_000543.5 (MANE Select); 91 bases downstream of the stop codon, C replaced by T.
Molecular consequence: 3 prime UTR variant. On other transcripts: non-coding transcript variant (2).
Genome position (GRCh38, 1-based): chr11:6,394,698, C>T. VCF-style: chr11-6394698-C-T. GRCh37 (hg19) VCF-style: chr11-6415928-C-T.
Other names: c.*91C>T (NM_001007593.3, NM_001318088.2, NM_001365135.2); c.*480C>T (NM_001318087.2).
Identifiers: ClinVar variation 305210 (VCV000305210.9), dbSNP rs12273714, ClinGen allele CA10639551.

ClinVar aggregate classification (germline): Benign. Review status: criteria provided, multiple submitters, no conflicts (2 of 4 stars). 3 submissions from 3 submitters: Benign (3). Last evaluated 2019-12-13.

Conditions:
Niemann-Pick disease, type A. Also called: SPHINGOMYELIN LIPIDOSIS; SPHINGOMYELINASE DEFICIENCY; Infantile Neurovisceral ASMD (Niemann-Pick Disease Type A; NPD-A). Identifiers: Orphanet 77292, MedGen C0268242, MONDO:0009756, OMIM 257200. Disease mechanism: loss of function.

Allele frequency attached by ClinVar (database versions not stated): gnomAD 0.01660 and 0.01778; 1000 Genomes Project 0.01717; 1000 Genomes Project 30x 0.01858; TOPMed 0.01887.

Submissions (3):

GeneDx
Classification: Benign. Last evaluated: 2019-12-13. Review status: criteria provided, single submitter. Criteria: GeneDx Variant Classification Process June 2021. Collection method: clinical testing. Allele origin: germline. Affected: yes.

Illumina Laboratory Services, Illumina
Classification: Benign for Niemann-Pick disease, type A. Last evaluated: 2018-01-13. Review status: criteria provided, single submitter. Criteria: ICSL Variant Classification Criteria 13 December 2019. Collection method: clinical testing. Allele origin: germline.
Comment: This variant was observed in the ICSL laboratory as part of a predisposition screen in an ostensibly healthy population. It had not been previously curated by ICSL or reported in the Human Gene Mutation Database (HGMD: prior to June 1st, 2018), and was therefore a candidate for classification through an automated scoring system. Utilizing variant allele frequency, disease prevalence and penetrance estimates, and inheritance mode, an automated score was calculated to assess if this variant is too frequent to cause the disease. Based on the score and internal cut-off values, a variant classified as benign is not then subjected to further curation. The score for this variant resulted in a classification of benign for this disease.

Breakthrough Genomics
Classification: Benign. Review status: criteria provided, single submitter. Criteria: ACMG Guidelines, 2015. Collection method: not provided. Allele origin: germline. Inheritance: Autosomal recessive inheritance. Affected: yes.